The following is an entry in ClinVar:

NM_000540.3(RYR1):c.3954C>T (p.Ala1318=)

Gene: RYR1 (ryanodine receptor 1; plus strand). Cytogenetic location: 19q13.2.
Variant type: single nucleotide variant.
Coding change: c.3954C>T on transcript NM_000540.3 (MANE Select); coding-DNA position 3954, C replaced by T.
Protein change: p.Ala1318=; no amino-acid change (alanine 1318 retained).
Molecular consequence: synonymous variant.
Genome position (GRCh38, 1-based): chr19:38,473,565, C>T. VCF-style: chr19-38473565-C-T. GRCh37 (hg19) VCF-style: chr19-38964205-C-T.
Other names: c.3954C>T, p.Ala1318= (NM_001042723.2).
Identifiers: ClinVar variation 2894219 (VCV002894219.4), dbSNP rs779383194, ClinGen allele CA507353056.
Genomic context (GRCh38, chr19:38,473,565, plus strand): 5'-GCACTTCCGCTGCACTGCAGGGGCCACCCCGCTGGCACCTCCTGGCCTGCAGCCCCCCGC[C>T]GAGGACGAGGCCCGGGCGGCGGAACCCGACCCTGACTACGAAAACCTGCGCCGCTCAGCT-3'
Protein context (NP_000531.2, residues 1308-1328): PLAPPGLQPP[Ala1318=]EDEARAAEPD

ClinVar aggregate classification (germline): Likely benign. Review status: criteria provided, multiple submitters, no conflicts (2 of 4 stars). 2 submissions from 2 submitters: Likely benign (2). Last evaluated 2024-05-15.

Conditions:
Malignant hyperthermia, susceptibility to, 1 (MHS1). Also called: Anesthesia related hyperthermia; Malignant hyperpyrexia; Fulminating hyperpyrexia; Pharmacogenic myopathy; RYR1-Related Malignant Hyperthermia Susceptibility; Malignant hyperthermia suceptibility 1. Identifiers: Orphanet 423, MedGen C2930980, MONDO:0007783, OMIM 145600.
RYR1-related disorder. Also called: RYR1-related disorders; RYR1-related condition. Identifiers: MedGen CN239331.

gnomAD v4.1: 12 of 1,599,330 alleles (0.00075%); highest among the groups gnomAD compares: East Asian, 0.0023%; no homozygotes.

Submissions (2):

Labcorp Genetics (formerly Invitae), Labcorp
Classification: Likely benign for RYR1-related disorder. Last evaluated: 2024-05-15. Review status: criteria provided, single submitter. Criteria: Invitae Variant Classification Sherloc (09022015). Collection method: clinical testing. Allele origin: germline.

All of Us Research Program, National Institutes of Health
Classification: Likely benign for Malignant hyperthermia, susceptibility to, 1. Last evaluated: 2023-11-02. Review status: criteria provided, single submitter. Criteria: ACMG Guidelines, 2015. Collection method: clinical testing. Allele origin: germline. Inheritance: Autosomal dominant inheritance. Observed: 1 variant allele, 1 heterozygote.
Comment: This study involves interpretation of variants in research participants for the purpose of population health screening. Participant phenotype was not available at the time of variant classification. Additional details can be found in publication PMID: 35346344, PMCID: PMC8962531